The following is an entry in ClinVar:

ClinVar aggregate classification (germline): Uncertain significance (1 of 4 stars; one submission).

Conditions:
Fanconi anemia (FA). Also called: Fanconi's anemia. Identifiers: Orphanet 84, MedGen C0015625, MeSH D005199, MONDO:0019391.

Submission:

Labcorp Genetics (formerly Invitae), Labcorp
Classification: Uncertain significance for Fanconi anemia. Last evaluated: 2022-09-07. Review status: criteria provided, single submitter. Criteria: Invitae Variant Classification Sherloc (09022015). Collection method: clinical testing. Allele origin: germline.
Comment: This variant has not been reported in the literature in individuals affected with FANCF-related conditions. Algorithms developed to predict the effect of missense changes on protein structure and function output the following: SIFT: "Tolerated"; PolyPhen-2: "Benign"; Align-GVGD: "Class C0". The valine amino acid residue is found in multiple mammalian species, which suggests that this missense change does not adversely affect protein function. In summary, the available evidence is currently insufficient to determine the role of this variant in disease. Therefore, it has been classified as a Variant of Uncertain Significance. This variant is not present in population databases (gnomAD no frequency). This sequence change replaces leucine, which is neutral and non-polar, with valine, which is neutral and non-polar, at codon 277 of the FANCF protein (p.Leu277Val).

NM_022725.4(FANCF):c.829C>G (p.Leu277Val)

Gene: FANCF (FA complementation group F; minus strand). Cytogenetic location: 11p14.3.
Variant type: single nucleotide variant.
Coding change: c.829C>G on transcript NM_022725.4 (MANE Select); coding-DNA position 829, C replaced by G.
Protein change: p.Leu277Val; replaces leucine 277 with valine.
Molecular consequence: missense variant.
Genome position (GRCh38, 1-based): chr11:22,624,982, G>C on the plus strand (C>G on the coding strand, the complement: FANCF is on the minus strand). VCF-style: chr11-22624982-G-C. GRCh37 (hg19) VCF-style: chr11-22646528-G-C.
Other names: short protein forms L277V.
Identifiers: ClinVar variation 2188422 (VCV002188422.4), dbSNP rs2133796704, ClinGen allele CA380058249.